The following is an entry in ClinVar:

NM_002292.4(LAMB2):c.4307G>A (p.Arg1436His)

Gene: LAMB2 (laminin subunit beta 2; minus strand). Cytogenetic location: 3p21.31.
Variant type: single nucleotide variant.
Coding change: c.4307G>A on transcript NM_002292.4 (MANE Select); coding-DNA position 4307, G replaced by A.
Protein change: p.Arg1436His; replaces arginine 1436 with histidine.
Molecular consequence: missense variant.
Genome position (GRCh38, 1-based): chr3:49,122,970, C>T on the plus strand (G>A on the coding strand, the complement: LAMB2 is on the minus strand). VCF-style: chr3-49122970-C-T. GRCh37 (hg19) VCF-style: chr3-49160403-C-T.
Other names: short protein forms R1436H.
Identifiers: ClinVar variation 930193 (VCV000930193.9), dbSNP rs377526198, ClinGen allele CA2393813.

ClinVar aggregate classification (germline): Uncertain significance. Review status: criteria provided, multiple submitters, no conflicts (2 of 4 stars). 3 submissions from 3 submitters: Uncertain significance (3). Last evaluated 2024-02-17.

Conditions:
Pierson syndrome. Also called: MICROCORIA-CONGENITAL NEPHROTIC SYNDROME. Identifiers: Orphanet 2670, MedGen C1836876, MONDO:0012184, OMIM 609049.
LAMB2-related infantile-onset nephrotic syndrome. Also called: NEPHROTIC SYNDROME, TYPE 5, WITHOUT OCULAR ABNORMALITIES; NEPHROTIC SYNDROME, TYPE 5, WITH OCULAR ABNORMALITIES; Nephrotic Syndrome, type 5. Identifiers: Orphanet 306507, MedGen C3280113, MONDO:0013621, OMIM 614199.
Glomerulonephritis. Also called: Glomerulonephritis (disease). Identifiers: MedGen C0017658, MONDO:0002462, HP:0000099.

Allele frequency attached by ClinVar (database versions not stated): gnomAD 0.00002; TOPMed 0.00002; ExAC 0.00004; gnomAD exomes 0.00005 and 0.00009; ESP Exome Variant Server 0.00008.
gnomAD v4.1: 124 of 1,608,664 alleles (0.0077%); highest among the groups gnomAD compares: Non-Finnish European, 0.01%; no homozygotes.

Submissions (3):

Labcorp Genetics (formerly Invitae), Labcorp
Classification: Uncertain significance for LAMB2-related infantile-onset nephrotic syndrome; Pierson syndrome. Last evaluated: 2024-02-17. Review status: criteria provided, single submitter. Criteria: Invitae Variant Classification Sherloc (09022015). Collection method: clinical testing. Allele origin: germline.
Comment: This sequence change replaces arginine, which is basic and polar, with histidine, which is basic and polar, at codon 1436 of the LAMB2 protein (p.Arg1436His). This variant is present in population databases (rs377526198, gnomAD 0.006%). This variant has not been reported in the literature in individuals affected with LAMB2-related conditions. ClinVar contains an entry for this variant (Variation ID: 930193). An algorithm developed to predict the effect of missense changes on protein structure and function (PolyPhen-2) suggests that this variant¬¨‚Ä†is likely to be tolerated. In summary, the available evidence is currently insufficient to determine the role of this variant in disease. Therefore, it has been classified as a Variant of Uncertain Significance.

Fulgent Genetics
Classification: Uncertain significance for Pierson syndrome; LAMB2-related infantile-onset nephrotic syndrome. Last evaluated: 2022-05-23. Review status: criteria provided, single submitter. Criteria: ACMG Guidelines, 2015. Collection method: clinical testing. Allele origin: unknown.

UNC Molecular Genetics  Laboratory, University of North Carolina at Chapel Hill
Classification: Uncertain significance for Glomerulonephritis. Last evaluated: 2019-08-07. Review status: criteria provided, single submitter. Criteria: ACMG Guidelines, 2015. Collection method: clinical testing. Allele origin: germline. Affected: yes. Observed: 1 heterozygote.